The following is an entry in ClinVar:

ClinVar aggregate classification (germline): Pathogenic (1 of 4 stars; one submission).

Conditions:
Phelan-McDermid syndrome. Also called: TELOMERIC 22q13 MONOSOMY SYNDROME; 22q13.3 deletion syndrome; Phelan-McDermid Syndrome-SHANK3 Related. Identifiers: Orphanet 48652, MedGen C1853490, MONDO:0011652, OMIM 606232.

Submission:

Foundation for Research in Genetics and Endocrinology, FRIGE's Institute of Human Genetics
Classification: Pathogenic for Phelan-McDermid syndrome. Last evaluated: 2026-02-02. Review status: criteria provided, single submitter. Criteria: ACMG Guidelines, 2015. Collection method: clinical testing. Allele origin: germline. Inheritance: Autosomal dominant inheritance. Affected: yes. Observed: 1 heterozygote.
Comment: A heterozygous 1 base pair insertion/duplication in exon 20 of the SHANK3 gene (chr22:g.50721512dup; Depth: 137x) that results in a frameshift and premature truncation of the protein 69 amino acids downstream to codon 1094 (p.Ala1094GlyfsTer69; ENST00000262795.7) was detected. The observed variant has previously been reported (as p.Ala1227GlyfsTer69) in patients affected with autism spectrum disorder [PMID: 34737294]. The variant has not been reported in the 1000 genomes and topmed databases and has a minor allele frequency of 0.001% and 0.002% in the gnomAD (v3.1) and gnomAD (v2.1) databases respectively. The reference region is conserved across species.

Literature cited by the submitters: PubMed 34737294.

NM_001372044.2(SHANK3):c.3280dup (p.Arg1094fs)

Gene: SHANK3 (SH3 and multiple ankyrin repeat domains 3; plus strand). Cytogenetic location: 22q13.33.
Variant type: Duplication.
Coding change: c.3280dup on transcript NM_001372044.2 (MANE Select); coding-DNA position 3280, one base duplicated (C; older notation c.3280dupC).
Protein change: p.Arg1094fs; shifts the reading frame from arginine 1094.
Molecular consequence: frameshift variant.
Genome position (GRCh38, 1-based): chr22:50,720,888, C duplicated. VCF-style (leftmost placement, unchanged base first): chr22-50720887-G-GC. GRCh37 (hg19) VCF-style: chr22-51159315-G-GC.
Other names: p.Arg1094ProfsTer277; short protein forms R1094fs.
Identifiers: ClinVar variation 4756105 (VCV004756105.1).